The following is an entry in ClinVar:

ClinVar aggregate classification (germline): Conflicting classifications of pathogenicity. Review status: criteria provided, conflicting classifications (1 of 4 stars). 5 submissions from 5 submitters: Uncertain significance (4); Likely benign (1). Last evaluated 2026-08-01.

Conditions:
Inborn genetic diseases. Identifiers: MedGen C0950123, MeSH D030342.
Hereditary spastic paraplegia 30. Identifiers: Orphanet 101010, MedGen C5235139, MONDO:0012476.
Intellectual disability, autosomal dominant 9 (NESCAVS). Also called: KIF1A-Related Neurodevelopmental Disorder; NESCAV SYNDROME. Identifiers: Orphanet 662367, MedGen C5393830, MONDO:0013656, OMIM 614255.
Neuropathy, hereditary sensory, type 2C. Also called: Hereditary sensory and autonomic neuropathy type IIC; KIF1A-Related HSAN2 (HSAN2C). Identifiers: Orphanet 970, MedGen C3280168, MONDO:0013634, OMIM 614213.
Hereditary spastic paraplegia. Also called: Familial spastic paraparesis. Identifiers: Orphanet 685, MedGen C0037773, MONDO:0019064. Disease mechanism: loss of function.

Allele frequency attached by ClinVar (database versions not stated): ExAC 0.00003; gnomAD exomes 0.00003; TOPMed 0.00004; gnomAD 0.00005; 1000 Genomes Project 30x 0.00016; 1000 Genomes Project 0.00020.
gnomAD v4.1: 49 of 1,611,238 alleles (0.003%); highest among the groups gnomAD compares: East Asian, 0.0067%; no homozygotes.

Submissions (5):

CeGaT Center for Human Genetics Tuebingen
Classification: Uncertain significance. Last evaluated: 2026-08-01. Review status: criteria provided, single submitter. Criteria: CeGaT Center For Human Genetics Tuebingen Variant Classification Criteria Version 2. Collection method: clinical testing. Allele origin: germline. Affected: yes. Observed: 3 variant alleles.
Comment: KIF1A: PM2, PS3:Supporting

Labcorp Genetics (formerly Invitae), Labcorp
Classification: Likely benign for Hereditary spastic paraplegia 30; Neuropathy, hereditary sensory, type 2C; Intellectual disability, autosomal dominant 9. Last evaluated: 2025-07-01. Review status: criteria provided, single submitter. Criteria: Invitae Variant Classification Sherloc (09022015). Collection method: clinical testing. Allele origin: germline.

Blueprint Genetics
Classification: Uncertain significance. Last evaluated: 2024-09-10. Review status: criteria provided, single submitter. Criteria: ACMG Guidelines, 2015. Collection method: clinical testing. Allele origin: germline.

Ambry Genetics
Classification: Uncertain significance for Inborn genetic diseases. Last evaluated: 2023-07-24. Review status: criteria provided, single submitter. Criteria: Ambry Variant Classification Scheme 2023. Collection method: clinical testing. Allele origin: germline.

Genome Diagnostics Laboratory, The Hospital for Sick Children
Classification: Uncertain significance for Hereditary spastic paraplegia. Last evaluated: 2017-02-08. Review status: criteria provided, single submitter. Criteria: ACMG Guidelines, 2015. Collection method: clinical testing. Allele origin: germline. Affected: yes.

NM_001244008.2(KIF1A):c.5063C>T (p.Pro1688Leu)

Gene: KIF1A (kinesin family member 1A; minus strand). Cytogenetic location: 2q37.3.
Variant type: single nucleotide variant.
Coding change: c.5063C>T on transcript NM_001244008.2 (MANE Select); coding-DNA position 5063, C replaced by T.
Protein change: p.Pro1688Leu; replaces proline 1688 with leucine.
Molecular consequence: missense variant.
Genome position (GRCh38, 1-based): chr2:240,719,157, G>A on the plus strand (C>T on the coding strand, the complement: KIF1A is on the minus strand). VCF-style: chr2-240719157-G-A. GRCh37 (hg19) VCF-style: chr2-241658574-G-A.
Other names: c.4787C>T, p.Pro1596Leu (NM_001320705.2, NM_001379649.1); c.4814C>T, p.Pro1605Leu (NM_001330289.2); c.4862C>T, p.Pro1621Leu (NM_001330290.2, NM_001379648.1); c.5138C>T, p.Pro1713Leu (NM_001379631.1); c.5039C>T, p.Pro1680Leu (NM_001379632.1); c.5036C>T, p.Pro1679Leu (NM_001379633.1, NM_001379645.1); c.4889C>T, p.Pro1630Leu (NM_001379634.1); c.4886C>T, p.Pro1629Leu (NM_001379635.1, NM_001379646.1); and 8 more; short protein forms P1587L, P1688L, P1596L, P1621L, P1605L, P1586L, P1595L, P1604L.
Identifiers: ClinVar variation 565660 (VCV000565660.39), dbSNP rs549560429, ClinGen allele CA2207186.